The following is an entry in ClinVar:

ClinVar aggregate classification (germline): Benign/Likely benign. Review status: criteria provided, multiple submitters, no conflicts (2 of 4 stars). 7 submissions from 7 submitters: Benign (1); Likely benign (6). Last evaluated 2026-01-27.

Conditions:
Congenital myasthenic syndrome 8. Also called: MYASTHENIC SYNDROME, CONGENITAL, DUE TO AGRIN DEFICIENCY; Myasthenic syndrome, congenital, 8, with pre- and postsynaptic defects. Identifiers: Orphanet 590, MedGen C3808739, MONDO:0014052, OMIM 615120.

Allele frequency attached by ClinVar (database versions not stated): ESP Exome Variant Server 0.00046; 1000 Genomes Project 30x 0.00047; 1000 Genomes Project 0.00060; TOPMed 0.00074; gnomAD 0.00079 and 0.00089; ExAC 0.00131.
gnomAD v4.1: 1,486 of 1,612,270 alleles (0.092%); highest among the groups gnomAD compares: Middle Eastern, 1.3%; 8 homozygotes.

Submissions (7):

Labcorp Genetics (formerly Invitae), Labcorp
Classification: Likely benign for Congenital myasthenic syndrome 8. Last evaluated: 2026-01-27. Review status: criteria provided, single submitter. Criteria: Invitae Variant Classification Sherloc (09022015). Collection method: clinical testing. Allele origin: germline.

CeGaT Center for Human Genetics Tuebingen
Classification: Likely benign. Last evaluated: 2025-10-01. Review status: criteria provided, single submitter. Criteria: CeGaT Center For Human Genetics Tuebingen Variant Classification Criteria Version 2. Collection method: clinical testing. Allele origin: germline. Affected: yes. Observed: 4 variant alleles.
Comment: AGRN: BP4

Blueprint Genetics
Classification: Likely benign. Last evaluated: 2024-11-21. Review status: criteria provided, single submitter. Criteria: ACMG Guidelines, 2015. Collection method: clinical testing. Allele origin: germline.

Women's Health and Genetics/Laboratory Corporation of America, LabCorp
Classification: Benign. Last evaluated: 2024-01-19. Review status: criteria provided, single submitter. Criteria: LabCorp Variant Classification Summary - May 2015. Collection method: clinical testing. Allele origin: germline.
Comment: Variant summary: AGRN c.2266G>A (p.Ala756Thr) results in a non-conservative amino acid change in the encoded protein sequence. Four of five in-silico tools predict a benign effect of the variant on protein function. The variant allele was found at a frequency of 0.00088 in 1,605,666 control chromosomes in the gnomAD database, including 6 homozygotes in the gnomAD database (v4 dataset). However, the variant was reported in some East Asian subpopulations with an even higher allele frequency, e.g. in the Japanese, with an allele frequency of 0.012 (including 4 homozygotes, in the jMorp database [PMID: 33179747]). To our knowledge, no occurrence of c.2266G>A in individuals affected with &phenotype& and no experimental evidence demonstrating its impact on protein function have been reported. ClinVar contains an entry for this variant (Variation ID: 263169). Based on the evidence outlined above, the variant was classified as benign.

Genetic Services Laboratory, University of Chicago
Classification: Likely benign. Last evaluated: 2017-09-12. Review status: criteria provided, single submitter. Criteria: ACMG Guidelines, 2015. Collection method: clinical testing. Allele origin: germline. Affected: no.

Breakthrough Genomics
Classification: Likely benign. Review status: criteria provided, single submitter. Criteria: ACMG Guidelines, 2015. Collection method: not provided. Allele origin: germline. Inheritance: Autosomal recessive inheritance. Affected: yes.

PreventionGenetics, part of Exact Sciences
Classification: Likely benign. Review status: criteria provided, single submitter. Criteria: ACMG Guidelines, 2015. Collection method: clinical testing. Allele origin: germline.

NM_198576.4(AGRN):c.2266G>A (p.Ala756Thr)

Gene: AGRN (agrin; plus strand). Cytogenetic location: 1p36.33.
Variant type: single nucleotide variant.
Coding change: c.2266G>A on transcript NM_198576.4 (MANE Select); coding-DNA position 2266, G replaced by A.
Protein change: p.Ala756Thr; replaces alanine 756 with threonine.
Molecular consequence: missense variant.
Genome position (GRCh38, 1-based): chr1:1,045,172, G>A. VCF-style: chr1-1045172-G-A. GRCh37 (hg19) VCF-style: chr1-980552-G-A.
Other names: c.2266G>A, p.Ala756Thr (NM_001305275.2); c.1951G>A, p.Ala651Thr (NM_001364727.2); short protein forms A756T, A651T.
Identifiers: ClinVar variation 263169 (VCV000263169.45), dbSNP rs140764403, ClinGen allele CA508564.
Genomic context (GRCh38, chr1:1,045,172, plus strand): 5'-TGGGTGTCCAGCACTGCATGAAATCTGAGTCCCGTACCCTTTCCTGCAGGCCCCACCTTC[G>A]CCCCGCTGCCGCCTGTGGCCCCCTTACACTGTGCCCAGACGCCCTACGGCTGCTGCCAGG-3'
Protein context (NP_940978.2, residues 746-766): AQGACRGPTF[Ala756Thr]PLPPVAPLHC